The following is an entry in ClinVar:

NM_198525.3(KIF7):c.3772_3773delinsT (p.Ala1258fs)

Gene: KIF7 (kinesin family member 7; minus strand). Cytogenetic location: 15q26.1.
Variant type: Indel.
Coding change: c.3772_3773delinsT on transcript NM_198525.3 (MANE Select); coding-DNA positions 3772 to 3773, GC replaced by T.
Protein change: p.Ala1258fs; shifts the reading frame from alanine 1258.
Molecular consequence: frameshift variant.
Genome position (GRCh38, 1-based): chr15:89,628,678-89,628,679, GC replaced by A on the plus strand (GC replaced by T on the coding strand, the reverse complement: KIF7 is on the minus strand). VCF-style: chr15-89628678-GC-A. GRCh37 (hg19) VCF-style: chr15-90171909-GC-A.
Other names: short protein forms A1258fs.
Identifiers: ClinVar variation 1723567 (VCV001723567.2), dbSNP rs2505407889, ClinGen allele CA2580090196.
Genomic context (GRCh38, chr15:89,628,678, plus strand): 5'-TTCCAGGTCAAGGGTAACGGAGCGTGGACCAAGTCCCGCGTCTCCTCCCGGGTGCGGGGG[GC>A]CCCCTCAGTGAGGGGGGACAGCCAGAGAAGCTCGGGTGCCAGGTGGAGCTCATCTTCATT-3'

ClinVar aggregate classification (germline): Uncertain significance (1 of 4 stars; one submission).

Submission:

GeneDx
Classification: Uncertain significance. Last evaluated: 2022-05-12. Review status: criteria provided, single submitter. Criteria: GeneDx Variant Classification Process June 2021. Collection method: clinical testing. Allele origin: germline. Affected: yes.
Comment: Frameshift variant predicted to result in protein truncation as the last 86 amino acids are replaced with 17 different amino acids, although loss-of-function variants have not been reported downstream of this position in the protein; Not observed at significant frequency in large population cohorts (gnomAD); Has not been previously published as pathogenic or benign to our knowledge